The following is an entry in ClinVar:

ClinVar aggregate classification (germline): Benign. Review status: criteria provided, single submitter (1 of 4 stars). 2 submissions from 2 submitters: Benign (1). 1 of the submissions does not count toward it. Last evaluated 2025-12-29.

Conditions:
FBN3-related disorder. Also called: FBN3-related condition.

Allele frequency attached by ClinVar (database versions not stated): gnomAD exomes 0.00015 and 0.00043; ExAC 0.00050; 1000 Genomes Project 0.00080; 1000 Genomes Project 30x 0.00109; gnomAD 0.00159 and 0.00172; ESP Exome Variant Server 0.00185; TOPMed 0.00197.
gnomAD v4.1: 479 of 1,613,364 alleles (0.03%); highest among the groups gnomAD compares: African/African-American, 0.56%; 1 homozygote.

Submissions (2):

Labcorp Genetics (formerly Invitae), Labcorp
Classification: Benign. Last evaluated: 2025-12-29. Review status: criteria provided, single submitter. Criteria: Invitae Variant Classification Sherloc (09022015). Collection method: clinical testing. Allele origin: germline.

PreventionGenetics, part of Exact Sciences
Classification: Likely benign for FBN3-related condition. Last evaluated: 2020-02-17. Review status: no assertion criteria provided. Collection method: clinical testing. Allele origin: germline. Not counted in ClinVar's aggregate classification.
Comment: This variant is classified as likely benign based on ACMG/AMP sequence variant interpretation guidelines (Richards et al. 2015 PMID: 25741868, with internal and published modifications).

NM_032447.5(FBN3):c.3285G>A (p.Lys1095=)

Gene: FBN3 (fibrillin 3; minus strand). Cytogenetic location: 19p13.2.
Variant type: single nucleotide variant.
Coding change: c.3285G>A on transcript NM_032447.5 (MANE Select); coding-DNA position 3285, G replaced by A.
Protein change: p.Lys1095=; no amino-acid change (lysine 1095 retained).
Molecular consequence: synonymous variant.
Genome position (GRCh38, 1-based): chr19:8,118,949, C>T on the plus strand (G>A on the coding strand, the complement: FBN3 is on the minus strand). VCF-style: chr19-8118949-C-T. GRCh37 (hg19) VCF-style: chr19-8183833-C-T.
Other names: c.3285G>A, p.Lys1095= (NM_001321431.2); c.3285G>A (NM_001321431.1).
Identifiers: ClinVar variation 741443 (VCV000741443.11), dbSNP rs139166471, ClinGen allele CA9152493.